The following is an entry in ClinVar:

ClinVar aggregate classification (germline): Uncertain significance (1 of 4 stars; one submission).

Allele frequency attached by ClinVar (database versions not stated): gnomAD exomes 0.00001; TOPMed 0.00002; ESP Exome Variant Server 0.00008.
gnomAD v4.1: 12 of 1,613,168 alleles (0.00074%); highest among the groups gnomAD compares: Middle Eastern, 0.017%; no homozygotes.

Submission:

Labcorp Genetics (formerly Invitae), Labcorp
Classification: Uncertain significance. Last evaluated: 2025-11-11. Review status: criteria provided, single submitter. Criteria: Invitae Variant Classification Sherloc (09022015). Collection method: clinical testing. Allele origin: germline.
Comment: This sequence change replaces glycine, which is neutral and non-polar, with valine, which is neutral and non-polar, at codon 4176 of the HMCN1 protein (p.Gly4176Val). This variant is present in population databases (rs374499731, gnomAD 0.007%). This variant has not been reported in the literature in individuals affected with HMCN1-related conditions. ClinVar contains an entry for this variant (Variation ID: 2181001). An algorithm developed to predict the effect of missense changes on protein structure and function outputs the following: PolyPhen-2: "Benign". The valine amino acid residue is found in multiple mammalian species, which suggests that this missense change does not adversely affect protein function. In summary, the available evidence is currently insufficient to determine the role of this variant in disease. Therefore, it has been classified as a Variant of Uncertain Significance.

NM_031935.3(HMCN1):c.12527G>T (p.Gly4176Val)

Gene: HMCN1 (hemicentin 1; plus strand). Cytogenetic location: 1q31.1.
Variant type: single nucleotide variant.
Coding change: c.12527G>T on transcript NM_031935.3 (MANE Select); coding-DNA position 12527, G replaced by T.
Protein change: p.Gly4176Val; replaces glycine 4176 with valine.
Molecular consequence: missense variant.
Genome position (GRCh38, 1-based): chr1:186,125,631, G>T. VCF-style: chr1-186125631-G-T. GRCh37 (hg19) VCF-style: chr1-186094763-G-T.
Other names: short protein forms G4176V.
Identifiers: ClinVar variation 2181001 (VCV002181001.4), dbSNP rs374499731, ClinGen allele CA33459727.
Genomic context (GRCh38, chr1:186,125,631, plus strand): 5'-TTCCTGGATGACTCTTTTTTAAACTCTTCATAGTACCACCCAGGATCAGAAGTACAGAAG[G>T]ACACTACACGGTCAATGAGAATTCACAAGCCATTCTTCCATGCGTAGCTGATGGAATCCC-3'
Protein context (NP_114141.2, residues 4166-4186): HVPPRIRSTE[Gly4176Val]HYTVNENSQA